The following is an entry in ClinVar:

ClinVar aggregate classification (germline): Likely pathogenic (1 of 4 stars; one submission).

Conditions:
Immunodeficiency 104. Also called: IMMUNODEFICIENCY 104, SEVERE COMBINED; Severe Combined Immune Deficiency, Autosomal Recessive, TCell -Negative, B Cell-Positive, NK Cell-Positive, IL7R-Related; Severe combined immunodeficiency, autosomal recessive, T cell-negative, B cell-positive, NK cell-positive; SCID, AUTOSOMAL RECESSIVE, T CELL-NEGATIVE, B CELL-POSITIVE, NK CELL-POSITIVE. Identifiers: MedGen C5676890, MONDO:0012163, OMIM 608971.

Submission:

Labcorp Genetics (formerly Invitae), Labcorp
Classification: Likely pathogenic for Immunodeficiency 104. Last evaluated: 2023-10-20. Review status: criteria provided, single submitter. Criteria: Invitae Variant Classification Sherloc (09022015). Collection method: clinical testing. Allele origin: germline.
Comment: This sequence change affects a donor splice site in intron 30 of the PTPRC gene. It is expected to disrupt RNA splicing. Variants that disrupt the donor or acceptor splice site typically lead to a loss of protein function (PMID: 16199547), and loss-of-function variants in PTPRC are known to be pathogenic (PMID: 10700239). This variant is not present in population databases (gnomAD no frequency). This variant has not been reported in the literature in individuals affected with PTPRC-related conditions. Algorithms developed to predict the effect of sequence changes on RNA splicing suggest that this variant may disrupt the consensus splice site. In summary, the currently available evidence indicates that the variant is pathogenic, but additional data are needed to prove that conclusively. Therefore, this variant has been classified as Likely Pathogenic.

Literature cited by the submitters: PubMed 16199547; PubMed 10700239.

NM_002838.5(PTPRC):c.3330+2T>C

Gene: PTPRC (protein tyrosine phosphatase receptor type C; plus strand). Cytogenetic location: 1q32.1.
Variant type: single nucleotide variant.
Coding change: c.3330+2T>C on transcript NM_002838.5 (MANE Select); the canonical splice donor site of the intron after coding-DNA position 3330, T replaced by C.
Molecular consequence: splice donor variant.
Genome position (GRCh38, 1-based): chr1:198,752,373, T>C. VCF-style: chr1-198752373-T-C. GRCh37 (hg19) VCF-style: chr1-198721502-T-C.
Other names: c.2847+2T>C (NM_080921.4).
Identifiers: ClinVar variation 2768582 (VCV002768582.3), dbSNP rs2528046958, ClinGen allele CA344054495.